The following is an entry in ClinVar:

ClinVar aggregate classification (germline): Likely pathogenic (1 of 4 stars; one submission).

Submission:

Quest Diagnostics Nichols Institute San Juan Capistrano
Classification: Likely pathogenic. Last evaluated: 2024-05-18. Review status: criteria provided, single submitter. Criteria: ACMG/ClinGen CNV Guidelines, 2019. Collection method: clinical testing. Allele origin: unknown.
Comment: This copy number loss overlaps the 17p13.3 microdeletion region associated with Miller-Dieker syndrome (MDS; OMIM 247200; ISCA-46756), although it does not contain proposed haploinsufficient gene PAFAH1B1 (ISCA-37430). Deletions similar to the current interval have been reported in patients with various phenotypic features (Bruno 2010, Denomme-Pichon 2023, Lalani 2013, Nagamani 2010, Shimojima 2010). Thus, this copy number variant (CNV) is classified as likely pathogenic. References: Bruno et al., J Med Genet. 2010 May;47(5):299-311. PMID: 20452996; Denomme-Pichon et al., Genet Med. 2023 Jul;25(7):100835. PMID: 36999555; Lalani et al., Eur J Hum Genet. 2013 Feb;21(2):173-81. PMID: 22929023; Nagamani et al., J Med Genet. 2009 Dec;46(12):825-33. PMID: 19584063; Schiff et al., Eur J Med Genet. Sep-Oct 2010;53(5):303-8. PMID: 20599530; Shimojima et al., Epilepsy Res. 2010 May;89(2-3):303-9. PMID: 20227246

GRCh37/hg19 17p13.3(chr17:572507-1429100)x1

Genes: ABR (ABR activator of RhoGEF and GTPase; minus strand), BHLHA9 (basic helix-loop-helix family member a9; plus strand), CRK (CRK proto-oncogene, adaptor protein; minus strand), GEMIN4 (gem nuclear organelle associated protein 4; minus strand), GLOD4 (glyoxalase domain containing 4; minus strand) and 10 more. Cytogenetic location: 17p13.3.
Variant type: copy number loss.
Change: copy number 1 (one copy instead of two) of chr17:572,507-1,429,100 (856.6 kb, GRCh37 coordinates, 1-based), cytogenetic band 17p13.3.
Identifiers: ClinVar variation 3391836 (VCV003391836.1).